The following is an entry in ClinVar:

ClinVar aggregate classification (germline): Likely benign. Review status: criteria provided, multiple submitters, no conflicts (2 of 4 stars). 3 submissions from 3 submitters: Likely benign (2). 1 of the submissions does not count toward it. Last evaluated 2026-01-25.

Conditions:
ODAD1-related disorder. Also called: ODAD1-related condition.
Primary ciliary dyskinesia. Also called: Ciliary dyskinesia. Identifiers: Orphanet 244, MedGen C0008780, MONDO:0016575, HP:0012265.

Allele frequency attached by ClinVar (database versions not stated): ExAC 0.00019; 1000 Genomes Project 0.00020; 1000 Genomes Project 30x 0.00062; TOPMed 0.00125; ESP Exome Variant Server 0.00153.

Submissions (3):

Labcorp Genetics (formerly Invitae), Labcorp
Classification: Likely benign for Primary ciliary dyskinesia. Last evaluated: 2026-01-25. Review status: criteria provided, single submitter. Criteria: Invitae Variant Classification Sherloc (09022015). Collection method: clinical testing. Allele origin: germline.

Ambry Genetics
Classification: Likely benign for Primary ciliary dyskinesia. Last evaluated: 2022-08-02. Review status: criteria provided, single submitter. Criteria: Ambry Variant Classification Scheme 2023. Collection method: clinical testing. Allele origin: germline.

PreventionGenetics, part of Exact Sciences
Classification: Likely benign for ODAD1-related condition. Last evaluated: 2022-07-08. Review status: no assertion criteria provided. Collection method: clinical testing. Allele origin: germline. Not counted in ClinVar's aggregate classification.
Comment: This variant is classified as likely benign based on ACMG/AMP sequence variant interpretation guidelines (Richards et al. 2015 PMID: 25741868, with internal and published modifications).

NM_001364171.2(ODAD1):c.556G>T (p.Asp186Tyr)

Gene: ODAD1 (outer dynein arm docking complex subunit 1; minus strand). Cytogenetic location: 19q13.33.
Variant type: single nucleotide variant.
Coding change: c.556G>T on transcript NM_001364171.2 (MANE Select); coding-DNA position 556, G replaced by T.
Protein change: p.Asp186Tyr; replaces aspartic acid 186 with tyrosine.
Molecular consequence: missense variant.
Genome position (GRCh38, 1-based): chr19:48,311,594, C>A on the plus strand (G>T on the coding strand, the complement: ODAD1 is on the minus strand). VCF-style: chr19-48311594-C-A. GRCh37 (hg19) VCF-style: chr19-48814851-C-A.
Other names: c.445G>T, p.Asp149Tyr (NM_144577.4); short protein forms D149Y, D186Y.
Identifiers: ClinVar variation 454972 (VCV000454972.16), dbSNP rs372015636, ClinGen allele CA9549029.
Genomic context (GRCh38, chr19:48,311,594, plus strand): 5'-GGATTTCAGGGCCACTGACCTTCTTCAGCTTGCGGTCCACGTTCAGATAGCGGTTCCTGT[C>A]GATCCGCAGCAGATCCAGCTCCTCCCGCAGGGCCGCATTCCGTACCAGCTGGTTGTCAAA-3'
Protein context (NP_001351100.1, residues 176-196): LREELDLLRI[Asp186Tyr]RNRYLNVDRK